The following is an entry in ClinVar:

ClinVar aggregate classification (germline): Benign (1 of 4 stars; one submission).

Conditions:
Autosomal dominant nocturnal frontal lobe epilepsy 4. Also called: EPILEPSY, FAMILIAL, WITH NOCTURNAL WANDERING AND ICTAL FEAR; CHRNA2-Related Nocturnal Frontal Lobe Epilepsy, Autosomal Dominant. Identifiers: Orphanet 98784, MedGen C1835905, MONDO:0012474, OMIM 610353.

Allele frequency attached by ClinVar (database versions not stated): gnomAD exomes 0.00980; gnomAD 0.03826 and 0.04107; 1000 Genomes Project 0.04193; TOPMed 0.04369; 1000 Genomes Project 30x 0.04372.
gnomAD v4.1: 5,765 of 152,338 alleles (3.8%); highest among the groups gnomAD compares: African/African-American, 13%; 376 homozygotes.

Submission:

Illumina Laboratory Services, Illumina
Classification: Benign for Autosomal dominant nocturnal frontal lobe epilepsy 4. Last evaluated: 2018-01-12. Review status: criteria provided, single submitter. Criteria: ICSL Variant Classification Criteria 13 December 2019. Collection method: clinical testing. Allele origin: germline.
Comment: This variant was observed in the ICSL laboratory as part of a predisposition screen in an ostensibly healthy population. It had not been previously curated by ICSL or reported in the Human Gene Mutation Database (HGMD: prior to June 1st, 2018), and was therefore a candidate for classification through an automated scoring system. Utilizing variant allele frequency, disease prevalence and penetrance estimates, and inheritance mode, an automated score was calculated to assess if this variant is too frequent to cause the disease. Based on the score and internal cut-off values, a variant classified as benign is not then subjected to further curation. The score for this variant resulted in a classification of benign for this disease.

NM_000742.4(CHRNA2):c.*1003G>A

Gene: CHRNA2 (cholinergic receptor nicotinic alpha 2 subunit; minus strand). Cytogenetic location: 8p21.2.
Variant type: single nucleotide variant.
Coding change: c.*1003G>A on transcript NM_000742.4 (MANE Select); 1003 bases downstream of the stop codon, G replaced by A.
Molecular consequence: 3 prime UTR variant.
Genome position (GRCh38, 1-based): chr8:27,460,626, C>T on the plus strand (G>A on the coding strand, the complement: CHRNA2 is on the minus strand). VCF-style: chr8-27460626-C-T. GRCh37 (hg19) VCF-style: chr8-27318143-C-T.
Other names: c.*1003G>A (NM_001282455.2, NM_001347705.2, NM_001347706.2 and 2 more transcripts).
Identifiers: ClinVar variation 362677 (VCV000362677.5), dbSNP rs74974243, ClinGen allele CA10630761.